The following is an entry in ClinVar:

ClinVar aggregate classification (germline): Uncertain significance (1 of 4 stars; one submission).

gnomAD v4.1: 2 of 1,609,900 alleles (0.00012%); highest among the groups gnomAD compares: Non-Finnish European, 0.00017%; no homozygotes.

Submission:

Women's Health and Genetics/Laboratory Corporation of America, LabCorp
Classification: Uncertain significance. Last evaluated: 2025-01-30. Review status: criteria provided, single submitter. Criteria: LabCorp Variant Classification Summary - May 2015. Collection method: clinical testing. Allele origin: germline.
Comment: Variant summary: STAR c.814C>A (p.Arg272Ser) results in a non-conservative amino acid change in the encoded protein sequence. Three of four in-silico tools predict a damaging effect of the variant on protein function. The variant was absent in 240954 control chromosomes. c.814C>A has been reported in the literature in one individual affected with Congenital Lipoid Adrenal Hyperplasia (Ishii_2020). These data do not allow any conclusion about variant significance. To our knowledge, no experimental evidence demonstrating an impact on protein function has been reported. Additionally, one variant at the Arg272 residue has been reported as associated with disease in ClinVar (p.Arg272Cys, Variation ID: 550766), suggesting that this codon might be functionally important. No submitters have cited clinical-significance assessments for this variant to ClinVar. Based on the evidence outlined above, the variant was classified as VUS-possibly pathogenic.

Literature cited by the submitters: PubMed 32835366.

NM_000349.3(STAR):c.814C>A (p.Arg272Ser)

Gene: STAR (steroidogenic acute regulatory protein; minus strand). Cytogenetic location: 8p11.23.
Variant type: single nucleotide variant.
Coding change: c.814C>A on transcript NM_000349.3 (MANE Select); coding-DNA position 814, C replaced by A.
Protein change: p.Arg272Ser; replaces arginine 272 with serine.
Molecular consequence: missense variant.
Genome position (GRCh38, 1-based): chr8:38,144,317, G>T on the plus strand (C>A on the coding strand, the complement: STAR is on the minus strand). VCF-style: chr8-38144317-G-T. GRCh37 (hg19) VCF-style: chr8-38001835-G-T.
Other names: short protein forms R272S.
Identifiers: ClinVar variation 3769495 (VCV003769495.2).
Genomic context (GRCh38, chr8:38,144,317, plus strand): 5'-AACAGCAGGCTGGTCTTCAACACCTGGCTTCAGAGGCAGGGTGGGACTCCAGGCGCTTGC[G>T]CAGGTGGTTGGCAAAATCCACCTGGGTCTGGGACAGGACCTGGTTGATGATGCTCTTGGG-3'
Protein context (NP_000340.2, residues 262-282): QTQVDFANHL[Arg272Ser]KRLESHPASE